The following is an entry in ClinVar:

NM_032545.4(CFC1):c.232C>T (p.Arg78Trp)

Gene: CFC1 (cryptic, EGF-CFC family member 1; minus strand). Cytogenetic location: 2q21.1.
Variant type: single nucleotide variant.
Coding change: c.232C>T on transcript NM_032545.4 (MANE Select); coding-DNA position 232, C replaced by T.
Protein change: p.Arg78Trp; replaces arginine 78 with tryptophan.
Molecular consequence: missense variant.
Genome position (GRCh38, 1-based): chr2:130,598,657, G>A on the plus strand (C>T on the coding strand, the complement: CFC1 is on the minus strand). VCF-style: chr2-130598657-G-A. GRCh37 (hg19) VCF-style: chr2-131356230-G-A.
Other names: c.232C>T, p.Arg78Trp (NM_001270420.2, NM_001270421.2); short protein forms R78W.
Identifiers: ClinVar variation 1216095 (VCV001216095.3), dbSNP rs1318519716, ClinGen allele CA348504136.

ClinVar aggregate classification (germline): Likely benign (1 of 4 stars; one submission).

Submission:

GeneDx
Classification: Likely benign. Last evaluated: 2015-03-03. Review status: criteria provided, single submitter. Criteria: GeneDx Variant Classification Process June 2021. Collection method: clinical testing. Allele origin: germline. Affected: yes.
Comment: This variant is associated with the following publications: (PMID: 11062482, 17445335)